The following is an entry in ClinVar:

NM_022042.4(SLC26A1):c.260C>T (p.Ala87Val)

Genes: IDUA (alpha-L-iduronidase; plus strand), SLC26A1 (solute carrier family 26 member 1; minus strand). Cytogenetic location: 4p16.3.
Variant type: single nucleotide variant.
Coding change: c.260C>T on transcript NM_022042.4 (MANE Select); coding-DNA position 260, C replaced by T.
Protein change: p.Ala87Val; replaces alanine 87 with valine.
Molecular consequence: missense variant. On other transcripts: intron variant (1).
Genome position (GRCh38, 1-based): chr4:991,444, G>A on the plus strand (C>T on the coding strand, the complement: SLC26A1 is on the minus strand). VCF-style: chr4-991444-G-A. GRCh37 (hg19) VCF-style: chr4-985232-G-A.
Other names: c.260C>T, p.Ala87Val (NM_134425.4, NM_213613.4); c.299+3495G>A (NM_000203.5); short protein forms A87V.
Identifiers: ClinVar variation 2878874 (VCV002878874.3), dbSNP rs1272027896, ClinGen allele CA355958235.

ClinVar aggregate classification (germline): Uncertain significance (1 of 4 stars; one submission).

Allele frequency attached by ClinVar (database versions not stated): gnomAD exomes 0.00001; TOPMed below 0.00001.
gnomAD v4.1: 5 of 1,612,784 alleles (0.00031%); highest among the groups gnomAD compares: Non-Finnish European, 0.00034%; no homozygotes.

Submission:

Labcorp Genetics (formerly Invitae), Labcorp
Classification: Uncertain significance. Last evaluated: 2025-12-08. Review status: criteria provided, single submitter. Criteria: Invitae Variant Classification Sherloc (09022015). Collection method: clinical testing. Allele origin: germline.
Comment: This sequence change replaces alanine, which is neutral and non-polar, with valine, which is neutral and non-polar, at codon 87 of the SLC26A1 protein (p.Ala87Val). This variant is present in population databases (no rsID available, gnomAD 0.01%). This variant has not been reported in the literature in individuals affected with SLC26A1-related conditions. ClinVar contains an entry for this variant (Variation ID: 2878874). Invitae Evidence Modeling of protein sequence and biophysical properties (such as structural, functional, and spatial information, amino acid conservation, physicochemical variation, residue mobility, and thermodynamic stability) indicates that this missense variant is expected to disrupt SLC26A1 protein function with a positive predictive value of 80%. In summary, the available evidence is currently insufficient to determine the role of this variant in disease. Therefore, it has been classified as a Variant of Uncertain Significance.